The following is an entry in ClinVar:

ClinVar aggregate classification (germline): Likely benign (0 of 4 stars; one submission).

Conditions:
PLXNA1-related disorder. Also called: PLXNA1-related condition.

Allele frequency attached by ClinVar (database versions not stated): gnomAD 0.00003; gnomAD exomes 0.00003; TOPMed 0.00006; ExAC 0.00011; ESP Exome Variant Server 0.00015.
gnomAD v4.1: 52 of 1,613,538 alleles (0.0032%); highest among the groups gnomAD compares: East Asian, 0.029%; 1 homozygote.

Submission:

PreventionGenetics, part of Exact Sciences
Classification: Likely benign for PLXNA1-related condition. Last evaluated: 2022-02-23. Review status: no assertion criteria provided. Collection method: clinical testing. Allele origin: germline.
Comment: This variant is classified as likely benign based on ACMG/AMP sequence variant interpretation guidelines (Richards et al. 2015 PMID: 25741868, with internal and published modifications).

NM_032242.4(PLXNA1):c.648C>T (p.Phe216=)

Gene: PLXNA1 (plexin A1; plus strand). Cytogenetic location: 3q21.3.
Variant type: single nucleotide variant.
Coding change: c.648C>T on transcript NM_032242.4 (MANE Select); coding-DNA position 648, C replaced by T.
Protein change: p.Phe216=; no amino-acid change (phenylalanine 216 retained).
Molecular consequence: synonymous variant.
Genome position (GRCh38, 1-based): chr3:126,989,241, C>T. VCF-style: chr3-126989241-C-T. GRCh37 (hg19) VCF-style: chr3-126708084-C-T.
Identifiers: ClinVar variation 3036335 (VCV003036335.2), dbSNP rs368950629, ClinGen allele CA2593017.
Genomic context (GRCh38, chr3:126,989,241, plus strand): 5'-GTACTTCCCCACACTGTCCAGCCGTCGGCTCATGGCCAACGAGGAGGATGCCGACATGTT[C>T]GGCTTCGTGTACCAGGATGAGTTTGTGTCATCACAGCTCAAGATCCCTTCGGACACGCTG-3'
Protein context (NP_115618.3, residues 206-226): LMANEEDADM[Phe216=]GFVYQDEFVS